The following is an entry in ClinVar:

ClinVar aggregate classification (germline): Pathogenic (1 of 4 stars; one submission).

Conditions:
Hereditary cancer-predisposing syndrome. Also called: Tumor predisposition; Hereditary Cancer Syndrome; Neoplastic Syndromes, Hereditary; Hereditary neoplastic syndrome. Identifiers: Orphanet 140162, MedGen C0027672, MeSH D009386, MONDO:0015356.

Submission:

Color Diagnostics, LLC DBA Color Health
Classification: Pathogenic for Hereditary cancer-predisposing syndrome. Last evaluated: 2021-01-25. Review status: criteria provided, single submitter. Criteria: ACMG Guidelines, 2015. Collection method: clinical testing. Allele origin: germline.
Comment: This variant inserts 1 nucleotide in exon 11 of the BRCA2 gene, creating a frameshift and premature translation stop signal. This variant is expected to result in an absent or non-functional protein product. To our knowledge, this variant has not been reported in individuals affected with hereditary cancer in the literature. This variant has not been identified in the general population by the Genome Aggregation Database (gnomAD). Loss of BRCA2 function is a known mechanism of disease. Based on the available evidence, this variant is classified as Pathogenic.

NM_000059.4(BRCA2):c.6239dup (p.Leu2080fs)

Gene: BRCA2 (BRCA2 DNA repair associated; plus strand). Cytogenetic location: 13q13.1.
Variant type: Duplication.
Coding change: c.6239dup on transcript NM_000059.4 (MANE Select); coding-DNA position 6239, one base duplicated (T; older notation c.6239dupT).
Protein change: p.Leu2080fs; shifts the reading frame from leucine 2080.
Molecular consequence: frameshift variant.
Genome position (GRCh38, 1-based): chr13:32,340,594, T duplicated; the last of 2 consecutive T bases (chr13:32,340,593-32,340,594); duplicating either gives the same sequence. VCF-style (leftmost placement, unchanged base first): chr13-32340592-G-GT. GRCh37 (hg19) VCF-style: chr13-32914729-G-GT.
Other names: short protein forms L2080fs.
Identifiers: ClinVar variation 1331772 (VCV001331772.2), dbSNP rs80359569, ClinGen allele CA2533236588.